The following is an entry in ClinVar:

ClinVar aggregate classification (germline): Uncertain significance. Review status: criteria provided, multiple submitters, no conflicts (2 of 4 stars). 2 submissions from 2 submitters: Uncertain significance (2). Last evaluated 2021-08-26.

Conditions:
Autosomal recessive limb-girdle muscular dystrophy type 2C (LGMDR5). Also called: MUSCULAR DYSTROPHY, DUCHENNE-LIKE; MUSCULAR DYSTROPHY, LIMB-GIRDLE, AUTOSOMAL RECESSIVE 5. Identifiers: Orphanet 353, MedGen C0410173, MONDO:0009677, OMIM 253700. Disease mechanism: Affects gamma-sarcoglycan and also disrupts the integrity of the entire sarcoglycan complex..

Allele frequency attached by ClinVar (database versions not stated): ExAC 0.00002; gnomAD exomes 0.00002 and 0.00003; TOPMed 0.00003; gnomAD 0.00005.
gnomAD v4.1: 47 of 1,613,522 alleles (0.0029%); highest among the groups gnomAD compares: Non-Finnish European, 0.0038%; no homozygotes.

Submissions (2):

Labcorp Genetics (formerly Invitae), Labcorp
Classification: Uncertain significance for Autosomal recessive limb-girdle muscular dystrophy type 2C. Last evaluated: 2021-08-26. Review status: criteria provided, single submitter. Criteria: Invitae Variant Classification Sherloc (09022015). Collection method: clinical testing. Allele origin: germline.
Comment: This sequence change replaces serine with phenylalanine at codon 275 of the SGCG protein (p.Ser275Phe). The serine residue is highly conserved and there is a large physicochemical difference between serine and phenylalanine. This variant is present in population databases (rs780747031, ExAC 0.01%). This variant has not been reported in the literature in individuals affected with SGCG-related conditions. Algorithms developed to predict the effect of missense changes on protein structure and function are either unavailable or do not agree on the potential impact of this missense change (SIFT: "Deleterious"; PolyPhen-2: "Probably Damaging"; Align-GVGD: "Class C15"). In summary, the available evidence is currently insufficient to determine the role of this variant in disease. Therefore, it has been classified as a Variant of Uncertain Significance.

ARUP Laboratories, Molecular Genetics and Genomics, ARUP Laboratories
Classification: Uncertain significance for Autosomal recessive limb-girdle muscular dystrophy type 2C. Last evaluated: 2021-01-04. Review status: criteria provided, single submitter. Criteria: ARUP Molecular Germline Variant Investigation Process 2021. Collection method: clinical testing. Allele origin: germline.
Comment: The SGCG c.824C>T; p.Ser275Phe variant (rs780747031), to our knowledge, is not reported in the medical literature or gene specific databases. This variant is found in the general population with an allele frequency of 0.0025% (7/282,822 alleles) in the Genome Aggregation Database. The serine at codon 275 is highly conserved, and computational analyses predict that this variant is deleterious (REVEL: 0.882). However, due to limited information, the clinical significance of the p.Ser275Phe variant is uncertain at this time.

NM_000231.3(SGCG):c.824C>T (p.Ser275Phe)

Gene: SGCG (sarcoglycan gamma; plus strand). Cytogenetic location: 13q12.12.
Variant type: single nucleotide variant.
Coding change: c.824C>T on transcript NM_000231.3 (MANE Select); coding-DNA position 824, C replaced by T.
Protein change: p.Ser275Phe; replaces serine 275 with phenylalanine.
Molecular consequence: missense variant.
Genome position (GRCh38, 1-based): chr13:23,324,489, C>T. VCF-style: chr13-23324489-C-T. GRCh37 (hg19) VCF-style: chr13-23898628-C-T.
Other names: c.878C>T, p.Ser293Phe (NM_001378244.1); c.824C>T, p.Ser275Phe (NM_001378245.1, NM_001378246.1); short protein forms S275F, S293F.
Identifiers: ClinVar variation 1331039 (VCV001331039.11), dbSNP rs780747031, ClinGen allele CA6909857.
Genomic context (GRCh38, chr13:23,324,489, plus strand): 5'-CTGGCAGCTCACAGAGCCTCTACGAAATCTGTGTGTGTCCAGATGGGAAGCTGTACCTGT[C>T]TGTGGCCGGTGTGAGCACCACGTGCCAGGAGCACAACCACATCTGCCTCTGAGCTGCCTG-3'
Protein context (NP_000222.2, residues 265-285): CVCPDGKLYL[Ser275Phe]VAGVSTTCQE